The following is an entry in ClinVar:

NM_004260.4(RECQL4):c.1012C>G (p.Pro338Ala)

Gene: RECQL4 (RecQ like helicase 4; minus strand). Cytogenetic location: 8q24.3.
Variant type: single nucleotide variant.
Coding change: c.1012C>G on transcript NM_004260.4 (MANE Select); coding-DNA position 1012, C replaced by G.
Protein change: p.Pro338Ala; replaces proline 338 with alanine.
Molecular consequence: missense variant. On other transcripts: non-coding transcript variant (3), intron variant (3), 5 prime UTR variant (16).
Genome position (GRCh38, 1-based): chr8:144,516,107, G>C on the plus strand (C>G on the coding strand, the complement: RECQL4 is on the minus strand). VCF-style: chr8-144516107-G-C. GRCh37 (hg19) VCF-style: chr8-145741491-G-C.
Other names: c.954-38C>G (NM_001413017.1, NM_001413020.1); c.-22-38C>G (NM_001413034.1); c.1012C>G, p.Pro338Ala (NM_001413033.1, NM_001413036.1, NM_001413039.1 and 2 more transcripts); c.-60C>G (NM_001413035.1, NM_001413037.1, NM_001413038.1 and 7 more transcripts); c.-122C>G (NM_001413041.1, NM_001413027.1, NM_001413030.1 and 2 more transcripts); c.-329C>G (NM_001413043.1); c.883C>G, p.Pro295Ala (NM_001413025.1); c.661C>G, p.Pro221Ala (NM_001413029.1); short protein forms P221A, P295A, P338A.
Identifiers: ClinVar variation 4628983 (VCV004628983.1).

ClinVar aggregate classification (germline): Uncertain significance (1 of 4 stars; one submission).

Conditions:
Inborn genetic diseases. Identifiers: MedGen C0950123, MeSH D030342.

Submission:

Ambry Genetics
Classification: Uncertain significance for Inborn genetic diseases. Last evaluated: 2025-11-28. Review status: criteria provided, single submitter. Criteria: Ambry Variant Classification Scheme 2023. Collection method: clinical testing. Allele origin: germline.
Comment: The p.P338A variant (also known as c.1012C>G), located in coding exon 5 of the RECQL4 gene, results from a C to G substitution at nucleotide position 1012. The proline at codon 338 is replaced by alanine, an amino acid with highly similar properties. This amino acid position is conserved. In addition, this alteration is predicted to be tolerated by in silico analysis. Based on the available evidence, the clinical significance of this variant remains unclear.